The following is an entry in ClinVar:

NM_144997.7(FLCN):c.1187C>G (p.Pro396Arg)

Gene: FLCN (folliculin; minus strand). Cytogenetic location: 17p11.2.
Variant type: single nucleotide variant.
Coding change: c.1187C>G on transcript NM_144997.7 (MANE Select); coding-DNA position 1187, C replaced by G.
Protein change: p.Pro396Arg; replaces proline 396 with arginine.
Molecular consequence: missense variant.
Genome position (GRCh38, 1-based): chr17:17,216,493, G>C on the plus strand (C>G on the coding strand, the complement: FLCN is on the minus strand). VCF-style: chr17-17216493-G-C. GRCh37 (hg19) VCF-style: chr17-17119807-G-C.
Other names: c.1241C>G, p.Pro414Arg (NM_001353229.2); c.1187C>G, p.Pro396Arg (NM_001353230.2, NM_001353231.2); short protein forms P396R, P414R.
Identifiers: ClinVar variation 3229225 (VCV003229225.1), dbSNP rs1447526883, ClinGen allele CA398531990.

ClinVar aggregate classification (germline): Uncertain significance (1 of 4 stars; one submission).

Conditions:
Hereditary cancer-predisposing syndrome. Also called: Neoplastic Syndromes, Hereditary; Tumor predisposition; Hereditary neoplastic syndrome; Hereditary Cancer Syndrome. Identifiers: Orphanet 140162, MedGen C0027672, MeSH D009386, MONDO:0015356.

Submission:

Ambry Genetics
Classification: Uncertain significance for Hereditary cancer-predisposing syndrome. Last evaluated: 2023-11-14. Review status: criteria provided, single submitter. Criteria: Ambry Variant Classification Scheme 2023. Collection method: clinical testing. Allele origin: germline.
Comment: The p.P396R variant (also known as c.1187C>G), located in coding exon 8 of the FLCN gene, results from a C to G substitution at nucleotide position 1187. The proline at codon 396 is replaced by arginine, an amino acid with dissimilar properties. This amino acid position is conserved. In addition, this alteration is predicted to be deleterious by in silico analysis. Since supporting evidence is limited at this time, the clinical significance of this alteration remains unclear.